The following is an entry in ClinVar:

NM_001127178.3(PIGG):c.2872G>A (p.Glu958Lys)

Gene: PIGG (phosphatidylinositol glycan anchor biosynthesis class G (EMM blood group); plus strand). Cytogenetic location: 4p16.3.
Variant type: single nucleotide variant.
Coding change: c.2872G>A on transcript NM_001127178.3 (MANE Select); coding-DNA position 2872, G replaced by A.
Protein change: p.Glu958Lys; replaces glutamic acid 958 with lysine.
Molecular consequence: missense variant. On other transcripts: non-coding transcript variant (10).
Genome position (GRCh38, 1-based): chr4:539,289, G>A. VCF-style: chr4-539289-G-A. GRCh37 (hg19) VCF-style: chr4-533078-G-A.
Other names: c.2605G>A, p.Glu869Lys (NM_001289051.2, NM_001345986.2); c.2473G>A, p.Glu825Lys (NM_001289052.2); c.2581G>A, p.Glu861Lys (NM_001345987.2); c.1843G>A, p.Glu615Lys (NM_001345988.2); c.1339G>A, p.Glu447Lys (NM_001345990.2, NM_001345991.2); c.1774G>A, p.Glu592Lys (NM_001345994.2); c.2848G>A, p.Glu950Lys (NM_017733.5); short protein forms E447K, E592K, E825K, E958K, E869K, E615K, E861K, E950K.
Identifiers: ClinVar variation 1384497 (VCV001384497.5), dbSNP rs775379047, ClinGen allele CA2793779.

ClinVar aggregate classification (germline): Uncertain significance (1 of 4 stars; one submission).

Conditions:
Intellectual disability, autosomal recessive 53 (NEDHSCA). Also called: GLYCOSYLPHOSPHATIDYLINOSITOL BIOSYNTHESIS DEFECT 13; Mental retardation, autosomal recessive 53; NEURODEVELOPMENTAL DISORDER WITH OR WITHOUT HYPOTONIA, SEIZURES, AND CEREBELLAR ATROPHY. Identifiers: Orphanet 488635, MedGen C4310794, MONDO:0014832, OMIM 616917.

Allele frequency attached by ClinVar (database versions not stated): ExAC 0.00001; gnomAD 0.00001.
gnomAD v4.1: 14 of 1,613,456 alleles (0.00087%); highest among the groups gnomAD compares: South Asian, 0.0022%; no homozygotes.

Submission:

Labcorp Genetics (formerly Invitae), Labcorp
Classification: Uncertain significance for Intellectual disability, autosomal recessive 53. Last evaluated: 2021-10-22. Review status: criteria provided, single submitter. Criteria: Invitae Variant Classification Sherloc (09022015). Collection method: clinical testing. Allele origin: germline.
Comment: This sequence change replaces glutamic acid with lysine at codon 958 of the PIGG protein (p.Glu958Lys). The glutamic acid residue is moderately conserved and there is a small physicochemical difference between glutamic acid and lysine. This variant is present in population databases (rs775379047, ExAC 0.002%). This variant has not been reported in the literature in individuals affected with PIGG-related conditions. Algorithms developed to predict the effect of missense changes on protein structure and function are either unavailable or do not agree on the potential impact of this missense change (SIFT: "Tolerated"; PolyPhen-2: "Probably Damaging"; Align-GVGD: "Class C0"). In summary, the available evidence is currently insufficient to determine the role of this variant in disease. Therefore, it has been classified as a Variant of Uncertain Significance.